The following is an entry in ClinVar:

ClinVar aggregate classification (germline): Likely pathogenic (1 of 4 stars; one submission).

Conditions:
Congenital insensitivity to pain-hypohidrosis syndrome. Also called: HSAN VIII; Neuropathy, hereditary sensory and autonomic, type VIII. Identifiers: Orphanet 478664, MedGen C4225308, MONDO:0014662, OMIM 616488.

Submission:

Medical Molecular Genetics, National Research Centre
Classification: Likely pathogenic for Congenital insensitivity to pain-hypohidrosis syndrome. Last evaluated: 2026-04-28. Review status: criteria provided, single submitter. Criteria: ACMG Guidelines, 2015. Collection method: research. Allele origin: inherited. Affected: yes.
Comment: The c.414+2T>C variant affects the canonical donor splice site and is predicted to disrupt normal RNA splicing, resulting in an abnormal transcript and loss of normal protein function.

NM_021619.3(PRDM12):c.414+2T>C

Genes: PRDM12 (PR/SET domain 12; plus strand), LOC126860775 (CDK7 strongly-dependent group 2 enhancer GRCh37_chr9:133541982-133543181; plus strand). Cytogenetic location: 9q34.12.
Variant type: single nucleotide variant.
Coding change: c.414+2T>C on transcript NM_021619.3 (MANE Select); the canonical splice donor site of the intron after coding-DNA position 414, T replaced by C.
Molecular consequence: splice donor variant.
Genome position (GRCh38, 1-based): chr9:130,666,800, T>C. VCF-style: chr9-130666800-T-C. GRCh37 (hg19) VCF-style: chr9-133542187-T-C.
Identifiers: ClinVar variation 4852844 (VCV004852844.1).